The following is an entry in ClinVar:

NM_172107.4(KCNQ2):c.1764-2A>G

Gene: KCNQ2 (potassium voltage-gated channel subfamily Q member 2; minus strand). Cytogenetic location: 20q13.33.
Variant type: single nucleotide variant.
Coding change: c.1764-2A>G on transcript NM_172107.4 (MANE Select); the canonical splice acceptor site of the intron before coding-DNA position 1764, A replaced by G.
Molecular consequence: splice acceptor variant.
Genome position (GRCh38, 1-based): chr20:63,408,538, T>C on the plus strand (A>G on the coding strand, the complement: KCNQ2 is on the minus strand). VCF-style: chr20-63408538-T-C. GRCh37 (hg19) VCF-style: chr20-62039891-T-C.
Other names: c.1680-2A>G (NM_004518.6); c.1671-2A>G (NM_172108.5); c.1710-2A>G (NM_172106.3); c.1818-2A>G (NM_001382235.1).
Identifiers: ClinVar variation 21814 (VCV000021814.2), dbSNP rs118192238, ClinGen allele CA342546.
Genomic context (GRCh38, chr20:63,408,538, plus strand): 5'-GGCCCTTGGTGCGGTCCTTGTCCGTGATCGCTGGGCCCCGCCCCACGATCTGGTCCACTC[T>C]ACCGGGAACAGAGACCCCAAAGCATGAGTTCGGGTGGGTGCAGCAGGGCCCCTGCCCTCT-3'

ClinVar aggregate classification (germline): not provided (0 of 4 stars; one submission).

Conditions:
Seizures, benign familial neonatal, 1. Also called: Benign Neonatal Epilepsy 1; KCNQ2-Related Benign Familial Neonatal Epilepsy; KCNQ2-Related Self-Limited Familial Neonatal Epilepsy (SLFNE); Seizures, benign neonatal, 1. Identifiers: Orphanet 1949, MedGen C3149074, MONDO:0007365, OMIM 121200.

Submission:

GeneReviews
No classification provided. Condition: Seizures, benign familial neonatal, 1. Review status: no classification provided. Collection method: literature only. Allele origin: germline. Affected: yes.
Comment: BFNE (benign familial neonatal epilepsy)

Literature cited by the submitters: PubMed 17129708; NCBI Bookshelf NBK32534.